The following is an entry in ClinVar:

ClinVar aggregate classification (germline): Uncertain significance (1 of 4 stars; one submission).

Conditions:
Osteogenesis imperfecta type 8 (OI8). Identifiers: MedGen C1970458, MONDO:0012581, OMIM 610915.

Submission:

Labcorp Genetics (formerly Invitae), Labcorp
Classification: Uncertain significance for Osteogenesis imperfecta type 8. Last evaluated: 2022-06-13. Review status: criteria provided, single submitter. Criteria: Invitae Variant Classification Sherloc (09022015). Collection method: clinical testing. Allele origin: germline.
Comment: This sequence change replaces leucine, which is neutral and non-polar, with phenylalanine, which is neutral and non-polar, at codon 215 of the P3H1 protein (p.Leu215Phe). This variant is not present in population databases (gnomAD no frequency). This variant has not been reported in the literature in individuals affected with P3H1-related conditions. Algorithms developed to predict the effect of missense changes on protein structure and function output the following: SIFT: "Tolerated"; PolyPhen-2: "Benign"; Align-GVGD: "Class C0". The phenylalanine amino acid residue is found in multiple mammalian species, which suggests that this missense change does not adversely affect protein function. In summary, the available evidence is currently insufficient to determine the role of this variant in disease. Therefore, it has been classified as a Variant of Uncertain Significance.

NM_022356.4(P3H1):c.643C>T (p.Leu215Phe)

Gene: P3H1 (prolyl 3-hydroxylase 1; minus strand). Cytogenetic location: 1p34.2.
Variant type: single nucleotide variant.
Coding change: c.643C>T on transcript NM_022356.4 (MANE Select); coding-DNA position 643, C replaced by T.
Protein change: p.Leu215Phe; replaces leucine 215 with phenylalanine.
Molecular consequence: missense variant.
Genome position (GRCh38, 1-based): chr1:42,759,366, G>A on the plus strand (C>T on the coding strand, the complement: P3H1 is on the minus strand). VCF-style: chr1-42759366-G-A. GRCh37 (hg19) VCF-style: chr1-43225037-G-A.
Other names: c.643C>T, p.Leu215Phe (NM_001146289.2, NM_001243246.2); short protein forms L215F.
Identifiers: ClinVar variation 1416767 (VCV001416767.5), dbSNP rs1652579090, ClinGen allele CA339960308.